The following is an entry in ClinVar:

ClinVar aggregate classification (germline): Pathogenic (1 of 4 stars; one submission).

Conditions:
Hereditary cancer-predisposing syndrome. Also called: Hereditary neoplastic syndrome; Hereditary Cancer Syndrome; Neoplastic Syndromes, Hereditary; Tumor predisposition. Identifiers: Orphanet 140162, MedGen C0027672, MeSH D009386, MONDO:0015356.

Submission:

Ambry Genetics
Classification: Pathogenic for Hereditary cancer-predisposing syndrome. Last evaluated: 2023-03-23. Review status: criteria provided, single submitter. Criteria: Ambry Variant Classification Scheme 2023. Collection method: clinical testing. Allele origin: germline.
Comment: The c.1427delC pathogenic mutation, located in coding exon 11 of the APC gene, results from a deletion of one nucleotide at nucleotide position 1427, causing a translational frameshift with a predicted alternate stop codon (p.A476Efs*22). This alteration is expected to result in loss of function by premature protein truncation or nonsense-mediated mRNA decay. This alteration has been observed in at least one individual with a personal and/or family history that is consistent with APC-related disease (Ambry internal data). This variant is considered to be rare based on population cohorts in the Genome Aggregation Database (gnomAD). As such, this alteration is interpreted as a disease-causing mutation.

NM_000038.6(APC):c.1427del (p.Ala476fs)

Gene: APC (APC regulator of Wnt signaling pathway; plus strand). Cytogenetic location: 5q22.2.
Variant type: Deletion.
Coding change: c.1427del on transcript NM_000038.6 (MANE Select); coding-DNA position 1427, one base deleted (C; older notation c.1427delC).
Protein change: p.Ala476fs; shifts the reading frame from alanine 476.
Molecular consequence: frameshift variant.
Genome position (GRCh38, 1-based): chr5:112,827,126, C deleted. VCF-style (leftmost placement, unchanged base first): chr5-112827125-GC-G. GRCh37 (hg19) VCF-style: chr5-112162822-GC-G.
Other names: c.1427del, p.Ala476fs (NM_001127510.3, NM_001354895.2, NM_001407450.1); c.1373del, p.Ala458fs (NM_001127511.3); c.1481del, p.Ala494fs (NM_001354896.2, NM_001407447.1, NM_001407448.1 and 1 more transcripts); c.1457del, p.Ala486fs (NM_001354897.2); c.1352del, p.Ala451fs (NM_001354898.2); c.1343del, p.Ala448fs (NM_001354899.2); c.1304del, p.Ala435fs (NM_001354900.2); c.1250del, p.Ala417fs (NM_001354901.2, NM_001407453.1); and 11 more; short protein forms A375fs, A417fs, A466fs, A494fs, A193fs, A350fs, A385fs, A393fs.
Identifiers: ClinVar variation 2566941 (VCV002566941.2), dbSNP rs2533193094, ClinGen allele CA2580613624.